The following is an entry in ClinVar:

NM_000478.6(ALPL):c.822A>T (p.Glu274Asp)

Gene: ALPL (alkaline phosphatase, biomineralization associated; plus strand). Cytogenetic location: 1p36.12.
Variant type: single nucleotide variant.
Coding change: c.822A>T on transcript NM_000478.6 (MANE Select); coding-DNA position 822, A replaced by T.
Protein change: p.Glu274Asp; replaces glutamic acid 274 with aspartic acid.
Molecular consequence: missense variant.
Genome position (GRCh38, 1-based): chr1:21,570,334, A>T. VCF-style: chr1-21570334-A-T. GRCh37 (hg19) VCF-style: chr1-21896827-A-T.
Other names: c.657A>T, p.Glu219Asp (NM_001127501.4); c.591A>T, p.Glu197Asp (NM_001177520.3); c.822A>T, p.Glu274Asp (NM_001369803.2, NM_001369804.2, NM_001369805.2); short protein forms E197D, E219D, E274D.
Identifiers: ClinVar variation 2444574 (VCV002444574.1), dbSNP rs2545324488, ClinGen allele CA338879931.

ClinVar aggregate classification (germline): Uncertain significance (1 of 4 stars; one submission).

Submission:

GeneDx
Classification: Uncertain significance. Last evaluated: 2022-09-15. Review status: criteria provided, single submitter. Criteria: GeneDx Variant Classification Process June 2021. Collection method: clinical testing. Allele origin: germline. Affected: yes.
Comment: Not observed at significant frequency in large population cohorts (gnomAD); In silico analysis supports that this missense variant does not alter protein structure/function; Has not been previously published as pathogenic or benign to our knowledge